The following is an entry in ClinVar:

NM_178857.6(RP1L1):c.548G>T (p.Gly183Val)

Gene: RP1L1 (RP1 like 1). Cytogenetic location: 8p23.1.
Variant type: single nucleotide variant.
Coding change: c.548G>T on transcript NM_178857.6 (MANE Select); coding-DNA position 548, G replaced by T.
Protein change: p.Gly183Val; replaces glycine 183 with valine.
Molecular consequence: missense variant.
Genome position (GRCh38, 1-based): chr8:10,622,654, C>A on the plus strand (G>T on the coding strand, the complement: RP1L1 is on the minus strand). VCF-style: chr8-10622654-C-A. GRCh37 (hg19) VCF-style: chr8-10480164-C-A.
Other names: short protein forms G183V.
Identifiers: ClinVar variation 2748245 (VCV002748245.3), dbSNP rs2486318036, ClinGen allele CA370299837.

ClinVar aggregate classification (germline): Uncertain significance (1 of 4 stars; one submission).

Submission:

Labcorp Genetics (formerly Invitae), Labcorp
Classification: Uncertain significance. Last evaluated: 2023-07-29. Review status: criteria provided, single submitter. Criteria: Invitae Variant Classification Sherloc (09022015). Collection method: clinical testing. Allele origin: germline.
Comment: This variant has not been reported in the literature in individuals affected with RP1L1-related conditions. This sequence change replaces glycine, which is neutral and non-polar, with valine, which is neutral and non-polar, at codon 183 of the RP1L1 protein (p.Gly183Val). This variant is not present in population databases (gnomAD no frequency). Advanced modeling of protein sequence and biophysical properties (such as structural, functional, and spatial information, amino acid conservation, physicochemical variation, residue mobility, and thermodynamic stability) performed at Invitae indicates that this missense variant is not expected to disrupt RP1L1 protein function. In summary, the available evidence is currently insufficient to determine the role of this variant in disease. Therefore, it has been classified as a Variant of Uncertain Significance.